The following is an entry in ClinVar:

NM_022124.6(CDH23):c.9865A>G (p.Thr3289Ala)

Gene: CDH23 (cadherin related 23; plus strand). Cytogenetic location: 10q22.1.
Variant type: single nucleotide variant.
Coding change: c.9865A>G on transcript NM_022124.6 (MANE Select); coding-DNA position 9865, A replaced by G.
Protein change: p.Thr3289Ala; replaces threonine 3289 with alanine.
Molecular consequence: missense variant.
Genome position (GRCh38, 1-based): chr10:71,815,078, A>G. VCF-style: chr10-71815078-A-G. GRCh37 (hg19) VCF-style: chr10-73574835-A-G.
Other names: c.9865A>G (NM_022124.5); c.3145A>G, p.Thr1049Ala (NM_001171933.1); c.3040A>G, p.Thr1014Ala (NM_001171934.1); c.556A>G, p.Thr186Ala (NM_001171935.1); c.451A>G, p.Thr151Ala (NM_001171936.1); short protein forms T1014A, T1049A, T151A, T186A, T3289A.
Identifiers: ClinVar variation 1062504 (VCV001062504.5), dbSNP rs375712395, ClinGen allele CA5547194.

ClinVar aggregate classification (germline): Uncertain significance. Review status: criteria provided, multiple submitters, no conflicts (2 of 4 stars). 4 submissions from 4 submitters: Uncertain significance (3). 1 of the submissions does not count toward it. Last evaluated 2025-11-05.

Conditions:
Inborn genetic diseases. Identifiers: MedGen C0950123, MeSH D030342.
CDH23-related disorder. Also called: CDH23-related disorders; CDH23-related condition.
Usher syndrome type 1 (USH1). Also called: RETINITIS PIGMENTOSA AND CONGENITAL DEAFNESS. Identifiers: Orphanet 231169, Orphanet 886, MedGen C1568247, MONDO:0010168, OMIM 276900.

Allele frequency attached by ClinVar (database versions not stated): gnomAD exomes 0.00003 and 0.00001; ExAC 0.00004; ESP Exome Variant Server 0.00008; gnomAD 0.00011 and 0.00013; TOPMed 0.00011; 1000 Genomes Project 30x 0.00094; 1000 Genomes Project 0.00100.
gnomAD v4.1: 34 of 1,611,578 alleles (0.0021%); highest among the groups gnomAD compares: African/African-American, 0.045%; no homozygotes.

Submissions (4):

PreventionGenetics, part of Exact Sciences
Classification: Uncertain significance for CDH23-related condition. Last evaluated: 2025-11-05. Review status: criteria provided, single submitter. Criteria: ACMG Guidelines, 2015. Collection method: clinical testing. Allele origin: germline.
Comment: The CDH23 c.9865A>G variant is predicted to result in the amino acid substitution p.Thr3289Ala. To our knowledge, this variant has not been reported in the literature. This variant is reported in 0.043% of alleles in individuals of African descent in gnomAD. At this time, the clinical significance of this variant is uncertain due to the absence of conclusive functional and genetic evidence.

Ambry Genetics
Classification: Uncertain significance for Inborn genetic diseases. Last evaluated: 2024-10-12. Review status: criteria provided, single submitter. Criteria: Ambry Variant Classification Scheme 2023. Collection method: clinical testing. Allele origin: germline.

Labcorp Genetics (formerly Invitae), Labcorp
Classification: Uncertain significance. Last evaluated: 2022-08-02. Review status: criteria provided, single submitter. Criteria: Invitae Variant Classification Sherloc (09022015). Collection method: clinical testing. Allele origin: germline.
Comment: This sequence change replaces threonine, which is neutral and polar, with alanine, which is neutral and non-polar, at codon 3289 of the CDH23 protein (p.Thr3289Ala). This variant is present in population databases (rs375712395, gnomAD 0.04%). This variant has not been reported in the literature in individuals affected with CDH23-related conditions. ClinVar contains an entry for this variant (Variation ID: 1062504). Algorithms developed to predict the effect of missense changes on protein structure and function are either unavailable or do not agree on the potential impact of this missense change (SIFT: "Deleterious"; PolyPhen-2: "Not Available"; Align-GVGD: "Class C0"). In summary, the available evidence is currently insufficient to determine the role of this variant in disease. Therefore, it has been classified as a Variant of Uncertain Significance.

Natera, Inc.
Classification: Uncertain significance for Usher syndrome type 1. Last evaluated: 2020-12-29. Review status: no assertion criteria provided. Collection method: clinical testing. Allele origin: germline. Not counted in ClinVar's aggregate classification.